The following is an entry in ClinVar:

NM_006230.4(POLD2):c.1247G>A (p.Arg416Gln)

Gene: POLD2 (DNA polymerase delta 2, accessory subunit; minus strand). Cytogenetic location: 7p13.
Variant type: single nucleotide variant.
Coding change: c.1247G>A on transcript NM_006230.4 (MANE Select); coding-DNA position 1247, G replaced by A.
Protein change: p.Arg416Gln; replaces arginine 416 with glutamine.
Molecular consequence: missense variant.
Genome position (GRCh38, 1-based): chr7:44,115,297, C>T on the plus strand (G>A on the coding strand, the complement: POLD2 is on the minus strand). VCF-style: chr7-44115297-C-T. GRCh37 (hg19) VCF-style: chr7-44154896-C-T.
Other names: c.1247G>A, p.Arg416Gln (NM_001127218.3, NM_001256879.2); short protein forms R416Q.
Identifiers: ClinVar variation 2888873 (VCV002888873.3), dbSNP rs747052052, ClinGen allele CA4238588.

ClinVar aggregate classification (germline): Uncertain significance (1 of 4 stars; one submission).

Allele frequency attached by ClinVar (database versions not stated): gnomAD exomes 0.00001; gnomAD 0.00001; ExAC 0.00002.
gnomAD v4.1: 17 of 1,607,666 alleles (0.0011%); highest among the groups gnomAD compares: Admixed American, 0.013%; no homozygotes.

Submission:

Labcorp Genetics (formerly Invitae), Labcorp
Classification: Uncertain significance. Last evaluated: 2025-02-20. Review status: criteria provided, single submitter. Criteria: Invitae Variant Classification Sherloc (09022015). Collection method: clinical testing. Allele origin: germline.
Comment: This sequence change replaces arginine, which is basic and polar, with glutamine, which is neutral and polar, at codon 451 of the POLD2 protein (p.Arg451Gln). This variant is present in population databases (rs747052052, gnomAD 0.02%). This variant has not been reported in the literature in individuals affected with POLD2-related conditions. ClinVar contains an entry for this variant (Variation ID: 2888873). An algorithm developed to predict the effect of missense changes on protein structure and function outputs the following: PolyPhen-2: "Not Available". The glutamine amino acid residue is found in multiple mammalian species, which suggests that this missense change does not adversely affect protein function. In summary, the available evidence is currently insufficient to determine the role of this variant in disease. Therefore, it has been classified as a Variant of Uncertain Significance.